The following is an entry in ClinVar:

ClinVar aggregate classification (germline): Uncertain significance (1 of 4 stars; one submission).

Conditions:
Catecholaminergic polymorphic ventricular tachycardia 1. Also called: VENTRICULAR TACHYCARDIA, CATECHOLAMINERGIC POLYMORPHIC, 1, WITH OR WITHOUT ATRIAL DYSFUNCTION AND/OR DILATED CARDIOMYOPATHY; VENTRICULAR TACHYCARDIA, STRESS-INDUCED POLYMORPHIC 1; RYR2-Related Catecholaminergic Polymorphic Ventricular Tachycardia. Identifiers: Orphanet 3286, MedGen C1631597, MONDO:0011484, OMIM 604772.

gnomAD v4.1: 1 of 1,613,726 alleles (0.000062%); highest among the groups gnomAD compares: Non-Finnish European, 0.000085%; no homozygotes.

Submission:

Labcorp Genetics (formerly Invitae), Labcorp
Classification: Uncertain significance for Catecholaminergic polymorphic ventricular tachycardia 1. Last evaluated: 2024-07-03. Review status: criteria provided, single submitter. Criteria: Invitae Variant Classification Sherloc (09022015). Collection method: clinical testing. Allele origin: germline.
Comment: This sequence change replaces arginine, which is basic and polar, with proline, which is neutral and non-polar, at codon 272 of the RYR2 protein (p.Arg272Pro). This variant is not present in population databases (gnomAD no frequency). This variant has not been reported in the literature in individuals affected with RYR2-related conditions. Advanced modeling of protein sequence and biophysical properties (such as structural, functional, and spatial information, amino acid conservation, physicochemical variation, residue mobility, and thermodynamic stability) performed at Invitae indicates that this missense variant is expected to disrupt RYR2 protein function with a positive predictive value of 95%. In summary, the available evidence is currently insufficient to determine the role of this variant in disease. Therefore, it has been classified as a Variant of Uncertain Significance.

NM_001035.3(RYR2):c.815G>C (p.Arg272Pro)

Gene: RYR2 (ryanodine receptor 2; plus strand). Cytogenetic location: 1q43.
Variant type: single nucleotide variant.
Coding change: c.815G>C on transcript NM_001035.3 (MANE Select); coding-DNA position 815, G replaced by C.
Protein change: p.Arg272Pro; replaces arginine 272 with proline.
Molecular consequence: missense variant.
Genome position (GRCh38, 1-based): chr1:237,417,090, G>C. VCF-style: chr1-237417090-G-C. GRCh37 (hg19) VCF-style: chr1-237580390-G-C.
Other names: short protein forms R272P.
Identifiers: ClinVar variation 3678202 (VCV003678202.2).